The following is an entry in ClinVar:

NM_000548.5(TSC2):c.1393G>A (p.Val465Met)

Gene: TSC2 (TSC complex subunit 2; plus strand). Cytogenetic location: 16p13.3.
Variant type: single nucleotide variant.
Coding change: c.1393G>A on transcript NM_000548.5 (MANE Select); coding-DNA position 1393, G replaced by A.
Protein change: p.Val465Met; replaces valine 465 with methionine.
Molecular consequence: missense variant.
Genome position (GRCh38, 1-based): chr16:2,063,003, G>A. VCF-style: chr16-2063003-G-A. GRCh37 (hg19) VCF-style: chr16-2113004-G-A.
Other names: c.1393G>A, p.Val465Met (NM_001077183.3, NM_001114382.3, NM_001363528.2 and 3 more transcripts); c.1282G>A, p.Val428Met (NM_001318827.2); c.1246G>A, p.Val416Met (NM_001318829.2); c.793G>A, p.Val265Met (NM_001318831.2); c.1426G>A, p.Val476Met (NM_001318832.2); short protein forms V476M, V265M, V416M, V465M, V428M.
Identifiers: ClinVar variation 848903 (VCV000848903.14), dbSNP rs758874054, ClinGen allele CA030063.

ClinVar aggregate classification (germline): Conflicting classifications of pathogenicity. Review status: criteria provided, conflicting classifications (1 of 4 stars). 3 submissions from 3 submitters: Uncertain significance (2); Benign (1). Last evaluated 2025-08-04.

Conditions:
Tuberous sclerosis syndrome (TSC). Also called: Tuberous Sclerosis Complex; Tuberous sclerosis. Identifiers: Orphanet 805, MedGen C0041341, MONDO:0001734.
Hereditary cancer-predisposing syndrome. Also called: Neoplastic Syndromes, Hereditary; Hereditary Cancer Syndrome; Hereditary neoplastic syndrome; Tumor predisposition. Identifiers: Orphanet 140162, MedGen C0027672, MeSH D009386, MONDO:0015356.
Tuberous sclerosis 2 (TSC2). Identifiers: Orphanet 805, MedGen C1860707, MONDO:0013199, OMIM 613254.

Allele frequency attached by ClinVar (database versions not stated): gnomAD exomes below 0.00001 and 0.00001; ExAC 0.00005.
gnomAD v4.1: 2 of 1,551,396 alleles (0.00013%); highest among the groups gnomAD compares: South Asian, 0.0012%; no homozygotes.

Submissions (3):

Ambry Genetics
Classification: Uncertain significance for Hereditary cancer-predisposing syndrome. Last evaluated: 2025-08-04. Review status: criteria provided, single submitter. Criteria: Ambry Variant Classification Scheme 2023. Collection method: clinical testing. Allele origin: germline.
Comment: The p.V465M variant (also known as c.1393G>A), located in coding exon 13 of the TSC2 gene, results from a G to A substitution at nucleotide position 1393. The valine at codon 465 is replaced by methionine, an amino acid with highly similar properties. This amino acid position is highly conserved in available vertebrate species. In addition, the in silico prediction for this alteration is inconclusive. Since supporting evidence is limited at this time, the clinical significance of this alteration remains unclear.

All of Us Research Program, National Institutes of Health
Classification: Uncertain significance for Tuberous sclerosis syndrome. Last evaluated: 2024-07-10. Review status: criteria provided, single submitter. Criteria: ACMG Guidelines, 2015. Collection method: clinical testing. Allele origin: germline. Inheritance: Autosomal dominant inheritance. Observed: 1 variant allele, 1 heterozygote.
Comment: This missense variant replaces valine with methionine at codon 465 of the TSC2 protein. Computational prediction suggests that this variant may not impact protein structure and function. To our knowledge, functional studies have not been reported for this variant. This variant has not been reported in individuals affected with TSC2-related disorders in the literature. This variant has been identified in 1/156198 chromosomes in the general population by the Genome Aggregation Database (gnomAD). The available evidence is insufficient to determine the role of this variant in disease conclusively. Therefore, this variant is classified as a Variant of Uncertain Significance.

This study involves interpretation of variants in research participants for the purpose of population health screening. Participant phenotype was not available at the time of variant classification. Additional details can be found in publication PMID: 35346344, PMCID: PMC8962531

Labcorp Genetics (formerly Invitae), Labcorp
Classification: Benign for Tuberous sclerosis 2. Last evaluated: 2022-12-06. Review status: criteria provided, single submitter. Criteria: Invitae Variant Classification Sherloc (09022015). Collection method: clinical testing. Allele origin: germline.